The following is an entry in ClinVar:

ClinVar aggregate classification (germline): Pathogenic (1 of 4 stars; one submission).

Conditions:
Developmental and epileptic encephalopathy, 28 (DEE28). Also called: Epileptic encephalopathy, early infantile, 28. Identifiers: Orphanet 442835, MedGen C4015519, MONDO:0014533, OMIM 616211.

Submission:

Kids Research, The Children's Hospital at Westmead
Classification: Pathogenic for Developmental and epileptic encephalopathy, 28. Last evaluated: 2024-09-20. Review status: criteria provided, single submitter. Criteria: ACMG Guidelines, 2015. Collection method: research. Allele origin: germline. Affected: yes.
Comment: PVS1, PM2, PM3

NM_016373.4:c.606-870_1056+126154del

Gene: WWOX (WW domain containing oxidoreductase; plus strand).
Variant type: Deletion.
Other names: c.606-870_1056+126154del (NM_016373.4).
Identifiers: ClinVar variation 3366924 (VCV003366924.1).